The following is an entry in ClinVar:

NM_032608.7(MYO18B):c.6637G>A (p.Val2213Ile)

Gene: MYO18B (myosin XVIIIB; plus strand). Cytogenetic location: 22q12.1.
Variant type: single nucleotide variant.
Coding change: c.6637G>A on transcript NM_032608.7 (MANE Select); coding-DNA position 6637, G replaced by A.
Protein change: p.Val2213Ile; replaces valine 2213 with isoleucine.
Molecular consequence: missense variant.
Genome position (GRCh38, 1-based): chr22:26,026,611, G>A. VCF-style: chr22-26026611-G-A. GRCh37 (hg19) VCF-style: chr22-26422577-G-A.
Other names: c.6640G>A, p.Val2214Ile (NM_001318245.2); short protein forms V2213I, V2214I.
Identifiers: ClinVar variation 1364478 (VCV001364478.4), dbSNP rs560154518, ClinGen allele CA10161580.

ClinVar aggregate classification (germline): Uncertain significance (1 of 4 stars; one submission).

Allele frequency attached by ClinVar (database versions not stated): ExAC 0.00007; 1000 Genomes Project 30x 0.00016; TOPMed 0.00019; 1000 Genomes Project 0.00020.
gnomAD v4.1: 113 of 1,613,810 alleles (0.007%); highest among the groups gnomAD compares: African/African-American, 0.075%; no homozygotes.

Submission:

Labcorp Genetics (formerly Invitae), Labcorp
Classification: Uncertain significance. Last evaluated: 2023-12-22. Review status: criteria provided, single submitter. Criteria: Invitae Variant Classification Sherloc (09022015). Collection method: clinical testing. Allele origin: germline.
Comment: This sequence change replaces valine, which is neutral and non-polar, with isoleucine, which is neutral and non-polar, at codon 2213 of the MYO18B protein (p.Val2213Ile). This variant is present in population databases (rs560154518, gnomAD 0.03%). This variant has not been reported in the literature in individuals affected with MYO18B-related conditions. ClinVar contains an entry for this variant (Variation ID: 1364478). Algorithms developed to predict the effect of missense changes on protein structure and function output the following: SIFT: "Not Available"; PolyPhen-2: "Benign"; Align-GVGD: "Not Available". The isoleucine amino acid residue is found in multiple mammalian species, which suggests that this missense change does not adversely affect protein function. In summary, the available evidence is currently insufficient to determine the role of this variant in disease. Therefore, it has been classified as a Variant of Uncertain Significance.